The following is an entry in ClinVar:

NM_001563.4(IMPG1):c.960T>G (p.Ser320Arg)

Gene: IMPG1 (interphotoreceptor matrix proteoglycan 1; minus strand). Cytogenetic location: 6q14.1.
Variant type: single nucleotide variant.
Coding change: c.960T>G on transcript NM_001563.4 (MANE Select); coding-DNA position 960, T replaced by G.
Protein change: p.Ser320Arg; replaces serine 320 with arginine.
Molecular consequence: missense variant.
Genome position (GRCh38, 1-based): chr6:76,005,462, A>C on the plus strand (T>G on the coding strand, the complement: IMPG1 is on the minus strand). VCF-style: chr6-76005462-A-C. GRCh37 (hg19) VCF-style: chr6-76715179-A-C.
Other names: c.726T>G, p.Ser242Arg (NM_001282368.2); short protein forms S242R, S320R.
Identifiers: ClinVar variation 1025436 (VCV001025436.8), dbSNP rs1783079545, ClinGen allele CA364774511.
Genomic context (GRCh38, chr6:76,005,462, plus strand): 5'-CATGGTTCCATGATAGACTTCCTCACTTTCAATTTTGTTGGAATCAAAAGACAGGAGGTC[A>C]CTTGCAGGGCTTTTTGCTTCTGCACTGTGTCTCTTAAAGATGGCCGTAAGTTGCATCTCT-3'
Protein context (NP_001554.2, residues 310-330): RHSAEAKSPA[Ser320Arg]DLLSFDSNKI

ClinVar aggregate classification (germline): Likely pathogenic (1 of 4 stars; one submission).

Submission:

Labcorp Genetics (formerly Invitae), Labcorp
Classification: Likely pathogenic. Last evaluated: 2022-07-18. Review status: criteria provided, single submitter. Criteria: Invitae Variant Classification Sherloc (09022015). Collection method: clinical testing. Allele origin: germline.
Comment: In summary, the currently available evidence indicates that the variant is pathogenic, but additional data are needed to prove that conclusively. Therefore, this variant has been classified as Likely Pathogenic. Algorithms developed to predict the effect of missense changes on protein structure and function are either unavailable or do not agree on the potential impact of this missense change (SIFT: "Tolerated"; PolyPhen-2: "Possibly Damaging"; Align-GVGD: "Class C0"). ClinVar contains an entry for this variant (Variation ID: 1025436). This missense change has been observed in individuals with IMPG1-related conditions (PMID: 32817297; Invitae). It has also been observed to segregate with disease in related individuals. This variant is not present in population databases (gnomAD no frequency). This sequence change replaces serine, which is neutral and polar, with arginine, which is basic and polar, at codon 320 of the IMPG1 protein (p.Ser320Arg).

Literature cited by the submitters: PubMed 32817297.